The following is an entry in ClinVar:

ClinVar aggregate classification (germline): Uncertain significance. Review status: criteria provided, multiple submitters, no conflicts (2 of 4 stars). 2 submissions from 2 submitters: Uncertain significance (2). Last evaluated 2024-12-17.

Conditions:
Inborn genetic diseases. Identifiers: MedGen C0950123, MeSH D030342.

Allele frequency attached by ClinVar (database versions not stated): gnomAD 0.00001; gnomAD exomes 0.00001; TOPMed 0.00001.
gnomAD v4.1: 11 of 1,557,118 alleles (0.00071%); highest among the groups gnomAD compares: East Asian, 0.0047%; no homozygotes.

Submissions (2):

Ambry Genetics
Classification: Uncertain significance for Inborn genetic diseases. Last evaluated: 2024-12-17. Review status: criteria provided, single submitter. Criteria: Ambry Variant Classification Scheme 2023. Collection method: clinical testing. Allele origin: germline.

GeneDx
Classification: Uncertain significance. Last evaluated: 2020-09-22. Review status: criteria provided, single submitter. Criteria: GeneDx Variant Classification Process June 2021. Collection method: clinical testing. Allele origin: germline. Affected: yes.
Comment: Has not been previously published as pathogenic or benign to our knowledge; Not observed at a significant frequency in large population cohorts (Lek et al., 2016); In silico analysis supports that this missense variant has a deleterious effect on protein structure/function

NM_001851.6(COL9A1):c.1054C>T (p.Arg352Cys)

Gene: COL9A1 (collagen type IX alpha 1 chain; minus strand). Cytogenetic location: 6q13.
Variant type: single nucleotide variant.
Coding change: c.1054C>T on transcript NM_001851.6 (MANE Select); coding-DNA position 1054, C replaced by T.
Protein change: p.Arg352Cys; replaces arginine 352 with cysteine.
Molecular consequence: missense variant. On other transcripts: non-coding transcript variant (1).
Genome position (GRCh38, 1-based): chr6:70,274,058, G>A on the plus strand (C>T on the coding strand, the complement: COL9A1 is on the minus strand). VCF-style: chr6-70274058-G-A. GRCh37 (hg19) VCF-style: chr6-70983761-G-A.
Other names: c.325C>T, p.Arg109Cys (NM_001377289.1, NM_001377290.1, NM_078485.4); short protein forms R109C, R352C.
Identifiers: ClinVar variation 1321069 (VCV001321069.3), dbSNP rs1302609073, ClinGen allele CA364663506.